The following is an entry in ClinVar:

NM_025074.7(FRAS1):c.9912C>A (p.Cys3304Ter)

Gene: FRAS1 (Fraser extracellular matrix complex subunit 1; plus strand). Cytogenetic location: 4q21.21.
Variant type: single nucleotide variant.
Coding change: c.9912C>A on transcript NM_025074.7 (MANE Select); coding-DNA position 9912, C replaced by A.
Protein change: p.Cys3304Ter; replaces cysteine 3304 with a stop codon.
Molecular consequence: nonsense.
Genome position (GRCh38, 1-based): chr4:78,511,405, C>A. VCF-style: chr4-78511405-C-A. GRCh37 (hg19) VCF-style: chr4-79432559-C-A.
Other names: short protein forms C3304*.
Identifiers: ClinVar variation 2783695 (VCV002783695.3), dbSNP rs760992273, ClinGen allele CA357382469.
Genomic context (GRCh38, chr4:78,511,405, plus strand): 5'-CCATGTGGGGACCCCCTTAAGGAGCAACATTGTTACCATTGGAACAGACAGTGCTATCTG[C>A]CACACACCAGTGGTGGCTGGGACATCCAGAGGCTTCCAGGCTCAGTCCTTCATCGCAACC-3'

ClinVar aggregate classification (germline): Pathogenic (1 of 4 stars; one submission).

Submission:

Labcorp Genetics (formerly Invitae), Labcorp
Classification: Pathogenic. Last evaluated: 2023-12-20. Review status: criteria provided, single submitter. Criteria: Invitae Variant Classification Sherloc (09022015). Collection method: clinical testing. Allele origin: germline.
Comment: This sequence change creates a premature translational stop signal (p.Cys3304*) in the FRAS1 gene. It is expected to result in an absent or disrupted protein product. Loss-of-function variants in FRAS1 are known to be pathogenic (PMID: 12766769, 18671281). This variant is not present in population databases (gnomAD no frequency). This variant has not been reported in the literature in individuals affected with FRAS1-related conditions. Algorithms developed to predict the effect of sequence changes on RNA splicing suggest that this variant may disrupt the consensus splice site. For these reasons, this variant has been classified as Pathogenic.

Literature cited by the submitters: PubMed 12766769; PubMed 18671281.